The following is an entry in ClinVar:

NM_177550.5(SLC13A5):c.945G>A (p.Ala315=)

Gene: SLC13A5 (solute carrier family 13 member 5; minus strand). Cytogenetic location: 17p13.1.
Variant type: single nucleotide variant.
Coding change: c.945G>A on transcript NM_177550.5 (MANE Select); coding-DNA position 945, G replaced by A.
Protein change: p.Ala315=; no amino-acid change (alanine 315 retained).
Molecular consequence: synonymous variant.
Genome position (GRCh38, 1-based): chr17:6,695,836, C>T on the plus strand (G>A on the coding strand, the complement: SLC13A5 is on the minus strand). VCF-style: chr17-6695836-C-T. GRCh37 (hg19) VCF-style: chr17-6599155-C-T.
Other names: c.945G>A, p.Ala315= (NM_001143838.3); c.894G>A, p.Ala298= (NM_001284509.2); c.816G>A, p.Ala272= (NM_001284510.2).
Identifiers: ClinVar variation 387801 (VCV000387801.9), dbSNP rs1057522909, ClinGen allele CA16607492.
Genomic context (GRCh38, chr17:6,695,836, plus strand): 5'-GGGGTCTCGGGAGAACCACAGGATGACCAGCAGGAAGAAGCAGATCAGCACGTTGATCTC[C>T]GCGAAGGACAAGGGCCCCAGCTTCCGGTACTCCTCCTGCAGCACCTTGAGGGCAGCCTTC-3'
Protein context (NP_808218.1, residues 305-325): EYRKLGPLSF[Ala315=]EINVLICFFL

ClinVar aggregate classification (germline): Likely benign. Review status: criteria provided, multiple submitters, no conflicts (2 of 4 stars). 2 submissions from 2 submitters: Likely benign (2). Last evaluated 2025-07-02.

Conditions:
Developmental and epileptic encephalopathy, 25 (DEE25). Also called: Epileptic encephalopathy, early infantile, 25; Developmental and epileptic encephalopathy 25, with amelogenesis imperfecta; Epileptic encephalopathy, early infantile, 25, with amelogenesis imperfecta. Identifiers: Orphanet 442835, MedGen C4014621, MONDO:0014392, OMIM 615905.

Allele frequency attached by ClinVar (database versions not stated): TOPMed 0.00003; gnomAD 0.00004.
gnomAD v4.1: 28 of 1,614,028 alleles (0.0017%); highest among the groups gnomAD compares: African/African-American, 0.0093%; no homozygotes.

Submissions (2):

Labcorp Genetics (formerly Invitae), Labcorp
Classification: Likely benign for Developmental and epileptic encephalopathy, 25. Last evaluated: 2025-07-02. Review status: criteria provided, single submitter. Criteria: Invitae Variant Classification Sherloc (09022015). Collection method: clinical testing. Allele origin: germline.

GeneDx
Classification: Likely benign. Last evaluated: 2017-08-03. Review status: criteria provided, single submitter. Criteria: GeneDx Variant Classification (06012015). Collection method: clinical testing. Allele origin: germline. Affected: yes.
Comment: This variant is considered likely benign or benign based on one or more of the following criteria: it is a conservative change, it occurs at a poorly conserved position in the protein, it is predicted to be benign by multiple in silico algorithms, and/or has population frequency not consistent with disease.